The following is an entry in ClinVar:

ClinVar aggregate classification (germline): Likely benign. Review status: criteria provided, multiple submitters, no conflicts (2 of 4 stars). 5 submissions from 5 submitters: Likely benign (5). Last evaluated 2025-10-23.

Conditions:
Autosomal dominant Alport syndrome (ATS3A). Also called: ALPORT SYNDROME 3A, AUTOSOMAL DOMINANT; Alport syndrome dominant type; Renal failure and sensorineural hearing loss. Identifiers: Orphanet 63, Orphanet 88918, MedGen C5882663, MONDO:0007086, OMIM 104200.
Autosomal recessive Alport syndrome (ATS2). Also called: COL4A4 Alport Syndrome and Thin Basement Membrane Nephropathy; ALPORT SYNDROME 2, AUTOSOMAL RECESSIVE; COL4A3-Related Nephropathy; Alport syndrome type 2. Identifiers: Orphanet 63, Orphanet 88919, MedGen C4746745, MONDO:0008762, OMIM 203780.
Benign familial hematuria. Also called: thin basement membrane disease. Identifiers: MedGen C0241908, MONDO:0957317.

Allele frequency attached by ClinVar (database versions not stated): gnomAD exomes 0.00001 and 0.00002; gnomAD 0.00001 and 0.00003; TOPMed 0.00001; ExAC 0.00002.
gnomAD v4.1: 42 of 1,613,870 alleles (0.0026%); highest among the groups gnomAD compares: Middle Eastern, 0.13%; no homozygotes.

Submissions (5):

Mayo Clinic Laboratories, Mayo Clinic
Classification: Likely benign. Last evaluated: 2025-10-23. Review status: criteria provided, single submitter. Criteria: ACMG Guidelines, 2015. Collection method: clinical testing. Allele origin: germline. Observed: 1 variant allele.
Comment: BP4, BP7

Blueprint Genetics
Classification: Likely benign. Last evaluated: 2024-09-27. Review status: criteria provided, single submitter. Criteria: ACMG Guidelines, 2015. Collection method: clinical testing. Allele origin: germline.

Labcorp Genetics (formerly Invitae), Labcorp
Classification: Likely benign. Last evaluated: 2024-02-17. Review status: criteria provided, single submitter. Criteria: Invitae Variant Classification Sherloc (09022015). Collection method: clinical testing. Allele origin: germline.

Fulgent Genetics
Classification: Likely benign for Autosomal dominant Alport syndrome; Hematuria, benign familial, 1; Autosomal recessive Alport syndrome. Last evaluated: 2022-03-22. Review status: criteria provided, single submitter. Criteria: ACMG Guidelines, 2015. Collection method: clinical testing. Allele origin: unknown.

GeneDx
Classification: Likely benign. Last evaluated: 2019-02-24. Review status: criteria provided, single submitter. Criteria: GeneDx Variant Classification Process June 2021. Collection method: clinical testing. Allele origin: germline. Affected: yes.

NM_000091.5(COL4A3):c.1539A>C (p.Pro513=)

Genes: COL4A3 (collagen type IV alpha 3 chain; plus strand), MFF-DT (MFF divergent transcript; minus strand). Cytogenetic location: 2q36.3.
Variant type: single nucleotide variant.
Coding change: c.1539A>C on transcript NM_000091.5 (MANE Select); coding-DNA position 1539, A replaced by C.
Protein change: p.Pro513=; no amino-acid change (proline 513 retained).
Molecular consequence: synonymous variant.
Genome position (GRCh38, 1-based): chr2:227,269,944, A>C. VCF-style: chr2-227269944-A-C. GRCh37 (hg19) VCF-style: chr2-228134660-A-C.
Other names: p.Pro513=.
Identifiers: ClinVar variation 795485 (VCV000795485.16), dbSNP rs749945759, ClinGen allele CA2146701.